The following is an entry in ClinVar:

ClinVar aggregate classification (germline): Uncertain significance (1 of 4 stars; one submission).

Conditions:
Hereditary cancer-predisposing syndrome. Also called: Neoplastic Syndromes, Hereditary; Hereditary Cancer Syndrome; Tumor predisposition; Hereditary neoplastic syndrome. Identifiers: Orphanet 140162, MedGen C0027672, MeSH D009386, MONDO:0015356.

gnomAD v4.1: 1 of 1,611,824 alleles (0.000062%); highest among the groups gnomAD compares: South Asian, 0.0011%; no homozygotes.

Submission:

Ambry Genetics
Classification: Uncertain significance for Hereditary cancer-predisposing syndrome. Last evaluated: 2024-12-20. Review status: criteria provided, single submitter. Criteria: Ambry Variant Classification Scheme 2023. Collection method: clinical testing. Allele origin: germline.
Comment: The p.M255L variant (also known as c.763A>T), located in coding exon 4 of the RET gene, results from an A to T substitution at nucleotide position 763. The methionine at codon 255 is replaced by leucine, an amino acid with highly similar properties. This amino acid position is conserved. In addition, this alteration is predicted to be tolerated by in silico analysis. Based on the available evidence, the clinical significance of this variant remains unclear.

NM_020975.6(RET):c.763A>T (p.Met255Leu)

Gene: RET (ret proto-oncogene; plus strand). Cytogenetic location: 10q11.21.
Variant type: single nucleotide variant.
Coding change: c.763A>T on transcript NM_020975.6 (MANE Select); coding-DNA position 763, A replaced by T.
Protein change: p.Met255Leu; replaces methionine 255 with leucine.
Molecular consequence: missense variant. On other transcripts: initiator codon variant (1), intron variant (22).
Genome position (GRCh38, 1-based): chr10:43,105,089, A>T. VCF-style: chr10-43105089-A-T. GRCh37 (hg19) VCF-style: chr10-43600537-A-T.
Other names: c.1A>T, p.Met1Leu (NM_001355216.2); c.763A>T, p.Met255Leu (NM_001406743.1, NM_001406744.1, NM_001406759.1 and 6 more transcripts); c.634A>T, p.Met212Leu (NM_001406761.1, NM_001406762.1, NM_001406764.1 and 2 more transcripts); c.475A>T, p.Met159Leu (NM_001406766.1, NM_001406767.1, NM_001406770.1); c.625+2460A>T (NM_001406773.1, NM_001406771.1, NM_001406782.1 and 5 more transcripts); c.496+2460A>T (NM_001406786.1, NM_001406783.1); c.338-3942A>T (NM_001406778.1, NM_001406775.1, NM_001406776.1 and 1 more transcripts); c.337+4367A>T (NM_001406790.1, NM_001406788.1, NM_001406789.1 and 1 more transcripts); and 2 more; short protein forms M1L, M212L, M255L, M159L.
Identifiers: ClinVar variation 3788298 (VCV003788298.1).